The following is an entry in ClinVar:

NM_001103.4(ACTN2):c.174G>T (p.Gln58His)

Gene: ACTN2 (actinin alpha 2; plus strand). Cytogenetic location: 1q43.
Variant type: single nucleotide variant.
Coding change: c.174G>T on transcript NM_001103.4 (MANE Select); coding-DNA position 174, G replaced by T.
Protein change: p.Gln58His; replaces glutamine 58 with histidine.
Molecular consequence: missense variant. On other transcripts: non-coding transcript variant (1).
Genome position (GRCh38, 1-based): chr1:236,717,905, G>T. VCF-style: chr1-236717905-G-T. GRCh37 (hg19) VCF-style: chr1-236881205-G-T.
Other names: c.174G>T, p.Gln58His (NM_001278343.2); short protein forms Q58H.
Identifiers: ClinVar variation 5032524 (VCV005032524.1).
Genomic context (GRCh38, chr1:236,717,905, plus strand): 5'-GTTTTCTTTGCAGACCTTCACTGCCTGGTGTAACTCCCACCTAAGGAAAGCCGGCACCCA[G>T]ATTGAGAACATCGAGGAAGACTTCAGGAATGGCCTTAAGCTCATGCTGCTTTTGGAAGTC-3'
Protein context (NP_001094.1, residues 48-68): CNSHLRKAGT[Gln58His]IENIEEDFRN

ClinVar aggregate classification (germline): Uncertain significance (1 of 4 stars; one submission).

Conditions:
Cardiovascular phenotype. Identifiers: MedGen CN230736.

Submission:

Ambry Genetics
Classification: Uncertain significance for Cardiovascular phenotype. Last evaluated: 2026-07-13. Review status: criteria provided, single submitter. Criteria: Ambry Variant Classification Scheme 2023. Collection method: clinical testing. Allele origin: germline.
Comment: The p.Q58H variant (also known as c.174G>T), located in coding exon 2 of the ACTN2 gene, results from a G to T substitution at nucleotide position 174. The glutamine at codon 58 is replaced by histidine, an amino acid with highly similar properties. This amino acid position is conserved. In addition, this alteration is predicted to be tolerated by in silico analysis. Based on the available evidence, the clinical significance of this variant remains unclear.